The following is an entry in ClinVar:

ClinVar aggregate classification (germline): Pathogenic. Review status: reviewed by expert panel (3 of 4 stars). 10 submissions from 10 submitters: Pathogenic (1). 9 of the submissions do not count toward it. Last evaluated 2016-09-08.

Conditions:
Hereditary breast ovarian cancer syndrome. Also called: Breast and ovarian cancer; Hereditary breast and ovarian cancer; Hereditary breast and ovarian cancer syndrome; BRCA1- and BRCA2-Associated Hereditary Breast and Ovarian Cancer; Hereditary breast and ovarian cancer syndrome (HBOC); Hereditary breast and/or ovarian cancer syndrome. Identifiers: Orphanet 145, MedGen C0677776, MeSH D061325, MONDO:0003582. Disease mechanism: loss of function.
Hereditary cancer-predisposing syndrome. Also called: Tumor predisposition; Hereditary Cancer Syndrome; Neoplastic Syndromes, Hereditary; Hereditary neoplastic syndrome. Identifiers: Orphanet 140162, MedGen C0027672, MeSH D009386, MONDO:0015356.
Breast-ovarian cancer, familial, susceptibility to, 2 (BROVCA2). Also called: BRCA2 Hereditary Breast and Ovarian Cancer. Identifiers: Orphanet 145, MedGen C2675520, MONDO:0012933, OMIM 612555. Disease mechanism: loss of function.

Allele frequency attached by ClinVar (database versions not stated): gnomAD exomes below 0.00001.

Submissions (10):

Evidence-based Network for the Interpretation of Germline Mutant Alleles (ENIGMA)
Classification: Pathogenic for Breast-ovarian cancer, familial, susceptibility to, 2. Last evaluated: 2016-09-08. Review status: reviewed by expert panel. Criteria: ENIGMA BRCA1/2 Classification Criteria (2015). Collection method: curation. Allele origin: germline.
Comment: Variant allele predicted to encode a truncated non-functional protein.

Labcorp Genetics (formerly Invitae), Labcorp
Classification: Pathogenic for Hereditary breast ovarian cancer syndrome. Last evaluated: 2025-07-27. Review status: criteria provided, single submitter. Criteria: Invitae Variant Classification Sherloc (09022015). Collection method: clinical testing. Allele origin: germline. Not counted in ClinVar's aggregate classification.
Comment: This sequence change creates a premature translational stop signal (p.Ile2149Leufs*19) in the BRCA2 gene. It is expected to result in an absent or disrupted protein product. Loss-of-function variants in BRCA2 are known to be pathogenic (PMID: 20104584). This variant is not present in population databases (gnomAD no frequency). This premature translational stop signal has been observed in individual(s) with breast cancer (PMID: 26023681). This variant is also known as 6672delT. ClinVar contains an entry for this variant (Variation ID: 91449). For these reasons, this variant has been classified as Pathogenic.

Ambry Genetics
Classification: Pathogenic for Hereditary cancer-predisposing syndrome. Last evaluated: 2025-04-17. Review status: criteria provided, single submitter. Criteria: Ambry Variant Classification Scheme 2023. Collection method: clinical testing. Allele origin: germline. Not counted in ClinVar's aggregate classification.
Comment: The c.6444delT pathogenic mutation, located in coding exon 10 of the BRCA2 gene, results from a deletion of one nucleotide at nucleotide position 6444, causing a translational frameshift with a predicted alternate stop codon (p.I2149Lfs*19). This variant is considered to be rare based on population cohorts in the Genome Aggregation Database (gnomAD). This alteration is expected to result in loss of function by premature protein truncation or nonsense-mediated mRNA decay. As such, this alteration is interpreted as a disease-causing mutation.

GeneDx
Classification: Pathogenic. Last evaluated: 2023-02-14. Review status: criteria provided, single submitter. Criteria: GeneDx Variant Classification Process June 2021. Collection method: clinical testing. Allele origin: germline. Affected: yes. Not counted in ClinVar's aggregate classification.
Comment: Frameshift variant predicted to result in protein truncation or nonsense mediated decay in a gene for which loss of function is a known mechanism of disease; Observed in individuals with a personal or family history consistent with pathogenic variants in this gene (Foley et al., 2015); Truncating variants in this gene are considered pathogenic by a well-established clinical consortium and/or database; Not observed at significant frequency in large population cohorts (gnomAD); Also known as 6672del; This variant is associated with the following publications: (PMID: 29446198, 20104584, 26023681)

Women's Health and Genetics/Laboratory Corporation of America, LabCorp
Classification: Pathogenic for Hereditary breast and ovarian cancer syndrome. Last evaluated: 2020-06-29. Review status: criteria provided, single submitter. Criteria: LabCorp Variant Classification Summary - May 2015. Collection method: clinical testing. Allele origin: germline. Not counted in ClinVar's aggregate classification.
Comment: Variant summary: BRCA2 c.6444delT (p.Ile2149LeufsX19) results in a premature termination codon, predicted to cause a truncation of the encoded protein or absence of the protein due to nonsense mediated decay, which are commonly known mechanisms for disease. Truncations downstream of this position have been classified as pathogenic by our laboratory. The variant was absent in 231302 control chromosomes. c.6444delT has been reported in the literature in individuals affected with Hereditary Breast And Ovarian Cancer Syndrome (example, Rebbeck_2018). These data indicate that the variant is likely to be associated with disease. Two clinical diagnostic laboratories and one expert panel (ENIGMA) have submitted clinical-significance assessments for this variant to ClinVar after 2014 without evidence for independent evaluation. All submitters classified the variant as pathogenic. Based on the evidence outlined above, the variant was classified as pathogenic.

Consortium of Investigators of Modifiers of BRCA1/2 (CIMBA), c/o University of Cambridge
Classification: Pathogenic for Breast-ovarian cancer, familial, susceptibility to, 2. Last evaluated: 2015-10-02. Review status: criteria provided, single submitter. Criteria: CIMBA Mutation Classification guidelines May 2016. Collection method: clinical testing. Allele origin: germline. Not counted in ClinVar's aggregate classification.

Clinical Genetics and Genomics, Karolinska University Hospital
Classification: Pathogenic. Last evaluated: 2014-12-09. Review status: criteria provided, single submitter. Criteria: ACMG Guidelines, 2015. Collection method: clinical testing. Allele origin: germline. Affected: yes. Observed: 8 variant alleles. Not counted in ClinVar's aggregate classification.

BRCAlab, Lund University
Classification: Pathogenic for Breast-ovarian cancer, familial, susceptibility to, 2. Last evaluated: 2022-08-26. Review status: no assertion criteria provided. Collection method: clinical testing. Allele origin: germline. Affected: yes. Not counted in ClinVar's aggregate classification.

Research Molecular Genetics Laboratory, Women's College Hospital, University of Toronto
Classification: Pathogenic for Hereditary breast ovarian cancer syndrome. Last evaluated: 2014-01-31. Review status: no assertion criteria provided. Collection method: research. Allele origin: germline. Affected: yes. Study: The Canadian Open Genetics Repository (COGR). Not counted in ClinVar's aggregate classification.

Sharing Clinical Reports Project (SCRP)
Classification: Pathogenic for Breast-ovarian cancer, familial 2. Last evaluated: 2007-10-04. Review status: no assertion criteria provided. Collection method: clinical testing. Allele origin: germline. Not counted in ClinVar's aggregate classification.

Literature cited by the submitters: PubMed 20104584 (cited by Labcorp Genetics (formerly Invitae), Labcorp); PubMed 26023681 (cited by Labcorp Genetics (formerly Invitae), Labcorp); PubMed 29446198 (cited by Women's Health and Genetics/Laboratory Corporation of America, LabCorp).

NM_000059.4(BRCA2):c.6444del (p.Ile2149fs)

Gene: BRCA2 (BRCA2 DNA repair associated; plus strand). Cytogenetic location: 13q13.1.
Variant type: Deletion.
Coding change: c.6444del on transcript NM_000059.4 (MANE Select); coding-DNA position 6444, one base deleted (T; older notation c.6444delT).
Protein change: p.Ile2149fs; shifts the reading frame from isoleucine 2149.
Molecular consequence: frameshift variant.
Genome position (GRCh38, 1-based): chr13:32,340,799, T deleted. VCF-style (leftmost placement, unchanged base first): chr13-32340798-CT-C. GRCh37 (hg19) VCF-style: chr13-32914935-CT-C.
Other names: 6672DELT; c.6444delT (NM_000059.3).
Identifiers: ClinVar variation 91449 (VCV000091449.39), dbSNP rs398122557, ClinGen allele CA024048.